The following is an entry in ClinVar:

NM_003334.4(UBA1):c.1504G>A (p.Val502Ile)

Gene: UBA1 (ubiquitin like modifier activating enzyme 1; plus strand). Cytogenetic location: Xp11.3.
Variant type: single nucleotide variant.
Coding change: c.1504G>A on transcript NM_003334.4 (MANE Select); coding-DNA position 1504, G replaced by A.
Protein change: p.Val502Ile; replaces valine 502 with isoleucine.
Molecular consequence: missense variant.
Genome position (GRCh38, 1-based): chrX:47,203,625, G>A. VCF-style: chrX-47203625-G-A. GRCh37 (hg19) VCF-style: chrX-47063024-G-A.
Other names: c.1546G>A, p.Val516Ile (NM_001440807.1); c.1522G>A, p.Val508Ile (NM_001440809.1, NM_001440810.1); c.1504G>A, p.Val502Ile (NM_001440811.1, NM_001440812.1, NM_153280.3); short protein forms V502I, V508I, V516I.
Identifiers: ClinVar variation 4885505 (VCV004885505.2).
Genomic context (GRCh38, chrX:47,203,625, plus strand): 5'-GAGCTGCTCAAGAACTTTGCCATGATTGGGCTGGGCTGCGGGGAGGGTGGAGAAATCATC[G>A]TTACAGACATGGACACCATTGAGAAGTCAAATCTGAATCGACAGTTTCTTTTCCGGCCCT-3'
Protein context (NP_003325.2, residues 492-512): LGCGEGGEII[Val502Ile]TDMDTIEKSN

ClinVar aggregate classification (germline): Uncertain significance (1 of 4 stars; one submission).

gnomAD v4.1: 1 of 1,211,252 alleles (0.000083%); no homozygotes.

Submission:

Dasa
Classification: Uncertain significance. Last evaluated: 2025-06-28. Review status: criteria provided, single submitter. Criteria: DASA Assertion Criteria. Collection method: clinical testing. Allele origin: germline.
Comment: NM_003334.4(UBA1):c.1504G>A (p.Val502Ile) is a missense variant that results in the substitution of valine with isoleucine. This variant is rare in population databases. Computational prediction algorithms are consistent with a benign effect. The currently available literature and clinical evidence are not sufficient to establish a definitive association between this variant and the reported condition. Therefore, this variant is classified as a variant of uncertain significance.